The following is an entry in ClinVar:

ClinVar aggregate classification (germline): Pathogenic (1 of 4 stars; one submission).

Conditions:
Kennedy disease (SMAX1). Also called: SPINAL AND BULBAR MUSCULAR ATROPHY, X-LINKED 1; KENNEDY SPINAL AND BULBAR MUSCULAR ATROPHY; Spinal and Bulbar Muscular Atrophy. Identifiers: Orphanet 481, MedGen C1839259, MONDO:0010735, OMIM 313200.
Androgen resistance syndrome (AIS). Also called: DHTR DEFICIENCY; DIHYDROTESTOSTERONE RECEPTOR DEFICIENCY; ANDROGEN RECEPTOR DEFICIENCY; TESTICULAR FEMINIZATION SYNDROME; Androgen insensitivity syndrome; Androgen insensitivity. Identifiers: Orphanet 754, Orphanet 99429, MedGen C0039585, MONDO:0019154, OMIM 300068. Disease mechanism: loss of function.

Submission:

Labcorp Genetics (formerly Invitae), Labcorp
Classification: Pathogenic for Kennedy disease; Androgen resistance syndrome. Last evaluated: 2023-01-04. Review status: criteria provided, single submitter. Criteria: Invitae Variant Classification Sherloc (09022015). Collection method: clinical testing. Allele origin: germline.
Comment: This sequence change creates a premature translational stop signal (p.Tyr535*) in the AR gene. It is expected to result in an absent or disrupted protein product. Loss-of-function variants in AR are known to be pathogenic (PMID: 19463997). This variant is not present in population databases (gnomAD no frequency). This premature translational stop signal has been observed in individual(s) with clinical features of AR-related conditions (PMID: 1752359, 29785970). This variant is also known as 537 Y > *. For these reasons, this variant has been classified as Pathogenic.

Literature cited by the submitters: PubMed 19463997; PubMed 1752359; PubMed 29785970.

NM_000044.6(AR):c.1605C>G (p.Tyr535Ter)

Gene: AR (androgen receptor; plus strand). Cytogenetic location: Xq12.
Variant type: single nucleotide variant.
Coding change: c.1605C>G on transcript NM_000044.6 (MANE Select); coding-DNA position 1605, C replaced by G.
Protein change: p.Tyr535Ter; replaces tyrosine 535 with a stop codon.
Molecular consequence: nonsense. On other transcripts: 5 prime UTR variant (1).
Genome position (GRCh38, 1-based): chrX:67,546,751, C>G. VCF-style: chrX-67546751-C-G. GRCh37 (hg19) VCF-style: chrX-66766593-C-G.
Other names: c.-179C>G (NM_001011645.3); c.1605C>G, p.Tyr535Ter (NM_001348061.1, NM_001348063.1, NM_001348064.1); c.1608C>G, p.Tyr536Ter (NM_001424175.1); short protein forms Y535*, Y536*.
Identifiers: ClinVar variation 2925675 (VCV002925675.3), dbSNP rs1555970042, ClinGen allele CA413427907.
Genomic context (GRCh38, chrX:67,546,751, plus strand): 5'-CAGTCCCACTTGTGTCAAAAGCGAAATGGGCCCCTGGATGGATAGCTACTCCGGACCTTA[C>G]GGGGACATGCGGTAAGTTTTTCCTTCCAGAAATGTCGCCTTTCGGCCCAGGGCAGAGTCA-3'